The following is an entry in ClinVar:

ClinVar aggregate classification (germline): Uncertain significance. Review status: criteria provided, multiple submitters, no conflicts (2 of 4 stars). 2 submissions from 2 submitters: Uncertain significance (2). Last evaluated 2022-04-26.

Conditions:
Nephronophthisis 15 (NPHP15). Identifiers: Orphanet 3156, MedGen C3541853, MONDO:0013917, OMIM 614845.

Submissions (2):

Fulgent Genetics
Classification: Uncertain significance for Nephronophthisis 15. Last evaluated: 2022-04-26. Review status: criteria provided, single submitter. Criteria: ACMG Guidelines, 2015. Collection method: clinical testing. Allele origin: unknown.

Labcorp Genetics (formerly Invitae), Labcorp
Classification: Uncertain significance for Nephronophthisis 15. Last evaluated: 2021-08-30. Review status: criteria provided, single submitter. Criteria: Invitae Variant Classification Sherloc (09022015). Collection method: clinical testing. Allele origin: germline.
Comment: This sequence change replaces alanine with glutamic acid at codon 556 of the CEP164 protein (p.Ala556Glu). The alanine residue is highly conserved and there is a moderate physicochemical difference between alanine and glutamic acid. This variant is not present in population databases (ExAC no frequency). This variant has not been reported in the literature in individuals affected with CEP164-related conditions. Algorithms developed to predict the effect of missense changes on protein structure and function are either unavailable or do not agree on the potential impact of this missense change (SIFT: "Deleterious"; PolyPhen-2: "Possibly Damaging"; Align-GVGD: "Class C0"). In summary, the available evidence is currently insufficient to determine the role of this variant in disease. Therefore, it has been classified as a Variant of Uncertain Significance.

NM_014956.5(CEP164):c.1667C>A (p.Ala556Glu)

Gene: CEP164 (centrosomal protein 164; plus strand). Cytogenetic location: 11q23.3.
Variant type: single nucleotide variant.
Coding change: c.1667C>A on transcript NM_014956.5 (MANE Select); coding-DNA position 1667, C replaced by A.
Protein change: p.Ala556Glu; replaces alanine 556 with glutamic acid.
Molecular consequence: missense variant.
Genome position (GRCh38, 1-based): chr11:117,382,885, C>A. VCF-style: chr11-117382885-C-A. GRCh37 (hg19) VCF-style: chr11-117253601-C-A.
Other names: c.1676C>A, p.Ala559Glu (NM_001271933.2); short protein forms A556E, A559E.
Identifiers: ClinVar variation 1015328 (VCV001015328.7), dbSNP rs1053615798, ClinGen allele CA382713764.